The following is an entry in ClinVar:

NM_014679.5(CEP57):c.524G>A (p.Arg175Gln)

Gene: CEP57 (centrosomal protein 57; plus strand). Cytogenetic location: 11q21.
Variant type: single nucleotide variant.
Coding change: c.524G>A on transcript NM_014679.5 (MANE Select); coding-DNA position 524, G replaced by A.
Protein change: p.Arg175Gln; replaces arginine 175 with glutamine.
Molecular consequence: missense variant.
Genome position (GRCh38, 1-based): chr11:95,817,806, G>A. VCF-style: chr11-95817806-G-A. GRCh37 (hg19) VCF-style: chr11-95550970-G-A.
Other names: c.497G>A, p.Arg166Gln (NM_001243776.2); c.524G>A, p.Arg175Gln (NM_001243777.2); c.443G>A, p.Arg148Gln (NM_001363604.2); short protein forms R148Q, R166Q, R175Q.
Identifiers: ClinVar variation 959198 (VCV000959198.9), dbSNP rs768997831, ClinGen allele CA6239517.

ClinVar aggregate classification (germline): Uncertain significance. Review status: criteria provided, multiple submitters, no conflicts (2 of 4 stars). 2 submissions from 2 submitters: Uncertain significance (2). Last evaluated 2024-11-28.

Conditions:
Inborn genetic diseases. Identifiers: MedGen C0950123, MeSH D030342.
Mosaic variegated aneuploidy syndrome 2 (MVA2). Identifiers: Orphanet 1052, MedGen C3279843, MONDO:0013582, OMIM 614114.

Allele frequency attached by ClinVar (database versions not stated): gnomAD exomes below 0.00001 and 0.00001; ExAC 0.00001; gnomAD 0.00002; TOPMed 0.00002.
gnomAD v4.1: 22 of 1,612,930 alleles (0.0014%); highest among the groups gnomAD compares: African/African-American, 0.0027%; no homozygotes.

Submissions (2):

Ambry Genetics
Classification: Uncertain significance for Inborn genetic diseases. Last evaluated: 2024-11-28. Review status: criteria provided, single submitter. Criteria: Ambry Variant Classification Scheme 2023. Collection method: clinical testing. Allele origin: germline.
Comment: The p.R175Q variant (also known as c.524G>A), located in coding exon 5 of the CEP57 gene, results from a G to A substitution at nucleotide position 524. The arginine at codon 175 is replaced by glutamine, an amino acid with highly similar properties. This amino acid position is conserved. In addition, this alteration is predicted to be tolerated by in silico analysis. Based on the available evidence, the clinical significance of this variant remains unclear.

Labcorp Genetics (formerly Invitae), Labcorp
Classification: Uncertain significance for Mosaic variegated aneuploidy syndrome 2. Last evaluated: 2024-10-21. Review status: criteria provided, single submitter. Criteria: Invitae Variant Classification Sherloc (09022015). Collection method: clinical testing. Allele origin: germline.
Comment: This sequence change replaces arginine, which is basic and polar, with glutamine, which is neutral and polar, at codon 175 of the CEP57 protein (p.Arg175Gln). This variant is present in population databases (rs768997831, gnomAD 0.002%). This variant has not been reported in the literature in individuals affected with CEP57-related conditions. ClinVar contains an entry for this variant (Variation ID: 959198). Invitae Evidence Modeling of protein sequence and biophysical properties (such as structural, functional, and spatial information, amino acid conservation, physicochemical variation, residue mobility, and thermodynamic stability) indicates that this missense variant is not expected to disrupt CEP57 protein function with a negative predictive value of 80%. In summary, the available evidence is currently insufficient to determine the role of this variant in disease. Therefore, it has been classified as a Variant of Uncertain Significance.